The following is an entry in ClinVar:

NM_000320.3(QDPR):c.274G>A (p.Gly92Arg)

Gene: QDPR (quinoid dihydropteridine reductase; minus strand). Cytogenetic location: 4p15.32.
Variant type: single nucleotide variant.
Coding change: c.274G>A on transcript NM_000320.3 (MANE Select); coding-DNA position 274, G replaced by A.
Protein change: p.Gly92Arg; replaces glycine 92 with arginine.
Molecular consequence: missense variant. On other transcripts: non-coding transcript variant (1).
Genome position (GRCh38, 1-based): chr4:17,504,400, C>T on the plus strand (G>A on the coding strand, the complement: QDPR is on the minus strand). VCF-style: chr4-17504400-C-T. GRCh37 (hg19) VCF-style: chr4-17506023-C-T.
Other names: c.274G>A (NM_000320.2); c.181G>A, p.Gly61Arg (NM_001306140.2); short protein forms G92R, G61R.
Identifiers: ClinVar variation 1370302 (VCV001370302.32), dbSNP rs757963200, ClinGen allele CA2868163.
Genomic context (GRCh38, chr4:17,504,400, plus strand): 5'-GCAGAGCAGAACAAATGAGTGACTCAGGAAAGGACTCACACTTGGATTTGGCATTGCCCC[C>T]GGCCCATCCTCCAGCAACGCAAAGAATTGCATCCACCTTCTCTTCACCCAAGAGCTTTCC-3'
Protein context (NP_000311.2, residues 82-102): AILCVAGGWA[Gly92Arg]GNAKSKSLFK

ClinVar aggregate classification (germline): Uncertain significance. Review status: criteria provided, multiple submitters, no conflicts (2 of 4 stars). 3 submissions from 3 submitters: Uncertain significance (3). Last evaluated 2024-01-17.

Conditions:
Inborn genetic diseases. Identifiers: MedGen C0950123, MeSH D030342.
Dihydropteridine reductase deficiency (HPABH4C). Also called: Hyperphenylalaninemia due to dihydropteridine reductase deficiency; Hyperphenylalaninemia, BH-4-deficient, C; Phenylketonuria type 2; DHPR DEFICIENCY; HYPERPHENYLALANINEMIA, TETRAHYDROBIOPTERIN-DEFICIENT, DUE TO DHPR DEFICIENCY; Phenylketonuria II. Identifiers: Orphanet 226, Orphanet 238583, MedGen C0268465, MONDO:0009862, OMIM 261630.

Allele frequency attached by ClinVar (database versions not stated): ExAC 0.00002; gnomAD exomes 0.00004; TOPMed 0.00004; gnomAD 0.00006 and 0.00007.
gnomAD v4.1: 48 of 1,613,936 alleles (0.003%); highest among the groups gnomAD compares: Admixed American, 0.0033%; 1 homozygote.

Submissions (3):

Ambry Genetics
Classification: Uncertain significance for Inborn genetic diseases. Last evaluated: 2024-01-17. Review status: criteria provided, single submitter. Criteria: Ambry Variant Classification Scheme 2023. Collection method: clinical testing. Allele origin: germline.

CeGaT Center for Human Genetics Tuebingen
Classification: Uncertain significance. Last evaluated: 2023-05-01. Review status: criteria provided, single submitter. Criteria: CeGaT Center For Human Genetics Tuebingen Variant Classification Criteria Version 2. Collection method: clinical testing. Allele origin: germline. Affected: yes. Observed: 1 variant allele.
Comment: QDPR: PM2

Labcorp Genetics (formerly Invitae), Labcorp
Classification: Uncertain significance for Dihydropteridine reductase deficiency. Last evaluated: 2022-10-24. Review status: criteria provided, single submitter. Criteria: Invitae Variant Classification Sherloc (09022015). Collection method: clinical testing. Allele origin: germline.
Comment: This sequence change replaces glycine, which is neutral and non-polar, with arginine, which is basic and polar, at codon 92 of the QDPR protein (p.Gly92Arg). This variant is present in population databases (rs757963200, gnomAD 0.02%). This variant has not been reported in the literature in individuals affected with QDPR-related conditions. ClinVar contains an entry for this variant (Variation ID: 1370302). Algorithms developed to predict the effect of missense changes on protein structure and function are either unavailable or do not agree on the potential impact of this missense change (SIFT: "Deleterious"; PolyPhen-2: "Probably Damaging"; Align-GVGD: "Class C0"). In summary, the available evidence is currently insufficient to determine the role of this variant in disease. Therefore, it has been classified as a Variant of Uncertain Significance.